The following is an entry in ClinVar:

NM_004168.4(SDHA):c.1441G>A (p.Val481Ile)

Gene: SDHA (succinate dehydrogenase complex flavoprotein subunit A; plus strand). Cytogenetic location: 5p15.33.
Variant type: single nucleotide variant.
Coding change: c.1441G>A on transcript NM_004168.4 (MANE Select); coding-DNA position 1441, G replaced by A.
Protein change: p.Val481Ile; replaces valine 481 with isoleucine.
Molecular consequence: missense variant.
Genome position (GRCh38, 1-based): chr5:240,366, G>A. VCF-style: chr5-240366-G-A. GRCh37 (hg19) VCF-style: chr5-240481-G-A.
Other names: c.1441G>A (NM_004168.2); c.1297G>A, p.Val433Ile (NM_001294332.2); c.1441G>A, p.Val481Ile (NM_001330758.2); short protein forms V481I, V433I.
Identifiers: ClinVar variation 2950960 (VCV002950960.5), dbSNP rs2477397368, ClinGen allele CA359014174.

ClinVar aggregate classification (germline): Conflicting classifications of pathogenicity. Review status: criteria provided, conflicting classifications (1 of 4 stars). 2 submissions from 2 submitters: Uncertain significance (1); Likely benign (1). Last evaluated 2026-02-06.

Conditions:
Mitochondrial complex II deficiency, nuclear type 1. Also called: SUCCINATE CoQ REDUCTASE DEFICIENCY. Identifiers: Orphanet 3208, MedGen C5700310, MONDO:0100294, OMIM 252011.
Pheochromocytoma/paraganglioma syndrome 5. Also called: Paragangliomas 5; SDHA-Related Hereditary Paraganglioma-Pheochromocytoma Syndrome. Identifiers: Orphanet 29072, MedGen C3279992, MONDO:0013602, OMIM 614165.
Hereditary cancer-predisposing syndrome. Also called: Neoplastic Syndromes, Hereditary; Tumor predisposition; Hereditary Cancer Syndrome; Hereditary neoplastic syndrome. Identifiers: Orphanet 140162, MedGen C0027672, MeSH D009386, MONDO:0015356.

Submissions (2):

Ambry Genetics
Classification: Likely benign for Hereditary cancer-predisposing syndrome. Last evaluated: 2026-02-06. Review status: criteria provided, single submitter. Criteria: Ambry Variant Classification Scheme 2023. Collection method: clinical testing. Allele origin: germline.

Labcorp Genetics (formerly Invitae), Labcorp
Classification: Uncertain significance for Pheochromocytoma/paraganglioma syndrome 5; Mitochondrial complex II deficiency, nuclear type 1. Last evaluated: 2025-12-13. Review status: criteria provided, single submitter. Criteria: Invitae Variant Classification Sherloc (09022015). Collection method: clinical testing. Allele origin: germline.
Comment: This sequence change replaces valine, which is neutral and non-polar, with isoleucine, which is neutral and non-polar, at codon 481 of the SDHA protein (p.Val481Ile). This variant is not present in population databases (gnomAD no frequency). This variant has not been reported in the literature in individuals affected with SDHA-related conditions. ClinVar contains an entry for this variant (Variation ID: 2950960). Invitae Evidence Modeling of protein sequence and biophysical properties (such as structural, functional, and spatial information, amino acid conservation, physicochemical variation, residue mobility, and thermodynamic stability) indicates that this missense variant is not expected to disrupt SDHA protein function with a negative predictive value of 95%. In summary, the available evidence is currently insufficient to determine the role of this variant in disease. Therefore, it has been classified as a Variant of Uncertain Significance.